The following is an entry in ClinVar:

ClinVar aggregate classification (germline): Uncertain significance (1 of 4 stars; one submission).

Conditions:
Tuberous sclerosis 2 (TSC2). Identifiers: Orphanet 805, MedGen C1860707, MONDO:0013199, OMIM 613254.

Submission:

Labcorp Genetics (formerly Invitae), Labcorp
Classification: Uncertain significance for Tuberous sclerosis 2. Last evaluated: 2021-11-17. Review status: criteria provided, single submitter. Criteria: Invitae Variant Classification Sherloc (09022015). Collection method: clinical testing. Allele origin: germline.
Comment: This variant is not present in population databases (gnomAD no frequency). In summary, the available evidence is currently insufficient to determine the role of this variant in disease. Therefore, it has been classified as a Variant of Uncertain Significance. Advanced modeling of protein sequence and biophysical properties (such as structural, functional, and spatial information, amino acid conservation, physicochemical variation, residue mobility, and thermodynamic stability) performed at Invitae indicates that this missense variant is not expected to disrupt TSC2 protein function. This variant has not been reported in the literature in individuals affected with TSC2-related conditions. This sequence change replaces glutamine, which is neutral and polar, with proline, which is neutral and non-polar, at codon 110 of the TSC2 protein (p.Gln110Pro).

NM_000548.5(TSC2):c.329A>C (p.Gln110Pro)

Gene: TSC2 (TSC complex subunit 2; plus strand). Cytogenetic location: 16p13.3.
Variant type: single nucleotide variant.
Coding change: c.329A>C on transcript NM_000548.5 (MANE Select); coding-DNA position 329, A replaced by C.
Protein change: p.Gln110Pro; replaces glutamine 110 with proline.
Molecular consequence: missense variant. On other transcripts: intron variant (2).
Genome position (GRCh38, 1-based): chr16:2,053,445, A>C. VCF-style: chr16-2053445-A-C. GRCh37 (hg19) VCF-style: chr16-2103446-A-C.
Other names: c.329A>C, p.Gln110Pro (NM_001077183.3, NM_001114382.3, NM_001363528.2 and 3 more transcripts); c.182A>C, p.Gln61Pro (NM_001318829.2); c.362A>C, p.Gln121Pro (NM_001318832.2); c.226-851A>C (NM_001318827.2); c.-1-2751A>C (NM_001318831.2); short protein forms Q110P, Q121P, Q61P.
Identifiers: ClinVar variation 1352090 (VCV001352090.6), dbSNP rs2085376654, ClinGen allele CA394306032.